The following is an entry in ClinVar:

NM_031229.4(RBCK1):c.1430A>G (p.Lys477Arg)

Gene: RBCK1 (RANBP2-type and C3HC4-type zinc finger containing 1; plus strand). Cytogenetic location: 20p13.
Variant type: single nucleotide variant.
Coding change: c.1430A>G on transcript NM_031229.4 (MANE Select); coding-DNA position 1430, A replaced by G.
Protein change: p.Lys477Arg; replaces lysine 477 with arginine.
Molecular consequence: missense variant. On other transcripts: non-coding transcript variant (1).
Genome position (GRCh38, 1-based): chr20:429,072, A>G. VCF-style: chr20-429072-A-G. GRCh37 (hg19) VCF-style: chr20-409716-A-G.
Other names: c.920A>G, p.Lys307Arg (NM_001323956.2, NM_001323958.2); c.1481A>G, p.Lys494Arg (NM_001410770.1); c.1304A>G, p.Lys435Arg (NM_006462.6); c.1430A>G (NM_031229.2); short protein forms K307R, K435R, K477R, K494R.
Identifiers: ClinVar variation 2413780 (VCV002413780.4), dbSNP rs552353906, ClinGen allele CA9723373.

ClinVar aggregate classification (germline): Uncertain significance. Review status: criteria provided, multiple submitters, no conflicts (2 of 4 stars). 2 submissions from 2 submitters: Uncertain significance (2). Last evaluated 2025-08-12.

Conditions:
Inborn genetic diseases. Identifiers: MedGen C0950123, MeSH D030342.
Polyglucosan body myopathy type 1 (PGBM1). Also called: Polyglucosan body myopathy 1 with or without immunodeficiency; POLYGLUCOSAN BODY MYOPATHY WITHOUT IMMUNODEFICIENCY. Identifiers: Orphanet 329173, Orphanet 397937, MedGen C4014605, MONDO:0014389, OMIM 615895.

Allele frequency attached by ClinVar (database versions not stated): gnomAD 0.00001; gnomAD exomes 0.00001; TOPMed 0.00001; ExAC 0.00003; 1000 Genomes Project 30x 0.00031; 1000 Genomes Project 0.00040.
gnomAD v4.1: 8 of 1,612,926 alleles (0.0005%); highest among the groups gnomAD compares: Admixed American, 0.012%; no homozygotes.

Submissions (2):

Ambry Genetics
Classification: Uncertain significance for Inborn genetic diseases. Last evaluated: 2025-08-12. Review status: criteria provided, single submitter. Criteria: Ambry Variant Classification Scheme 2023. Collection method: clinical testing. Allele origin: germline.

Labcorp Genetics (formerly Invitae), Labcorp
Classification: Uncertain significance for Polyglucosan body myopathy type 1. Last evaluated: 2022-05-12. Review status: criteria provided, single submitter. Criteria: Invitae Variant Classification Sherloc (09022015). Collection method: clinical testing. Allele origin: germline.
Comment: This sequence change replaces lysine, which is basic and polar, with arginine, which is basic and polar, at codon 477 of the RBCK1 protein (p.Lys477Arg). This variant is present in population databases (rs552353906, gnomAD 0.02%). This variant has not been reported in the literature in individuals affected with RBCK1-related conditions. Algorithms developed to predict the effect of missense changes on protein structure and function are either unavailable or do not agree on the potential impact of this missense change (SIFT: "Not Available"; PolyPhen-2: "Benign"; Align-GVGD: "Not Available"). In summary, the available evidence is currently insufficient to determine the role of this variant in disease. Therefore, it has been classified as a Variant of Uncertain Significance.